The following is an entry in ClinVar:

ClinVar aggregate classification (germline): Benign. Review status: criteria provided, multiple submitters, no conflicts (2 of 4 stars). 2 submissions from 2 submitters: Benign (2). Last evaluated 2018-06-14.

Allele frequency attached by ClinVar (database versions not stated): gnomAD 0.49524 and 0.50964; TOPMed 0.49614; gnomAD exomes 0.53111; 1000 Genomes Project 30x 0.60072; 1000 Genomes Project 0.61282.
gnomAD v4.1: 833,070 of 1,574,390 alleles (53%); highest among the groups gnomAD compares: East Asian, 94%; 228,453 homozygotes.

Submissions (2):

GeneDx
Classification: Benign. Last evaluated: 2018-06-14. Review status: criteria provided, single submitter. Criteria: GeneDx Variant Classification (06012015). Collection method: clinical testing. Allele origin: germline. Affected: yes.
Comment: This variant is considered likely benign or benign based on one or more of the following criteria: it is a conservative change, it occurs at a poorly conserved position in the protein, it is predicted to be benign by multiple in silico algorithms, and/or has population frequency not consistent with disease.

Breakthrough Genomics
Classification: Benign. Review status: criteria provided, single submitter. Criteria: ACMG Guidelines, 2015. Collection method: not provided. Allele origin: germline. Inheritance: Autosomal recessive inheritance. Affected: yes.

NM_002206.3(ITGA7):c.207-63T>G

Gene: ITGA7 (integrin subunit alpha 7; minus strand). Cytogenetic location: 12q13.2.
Variant type: single nucleotide variant.
Coding change: c.207-63T>G on transcript NM_002206.3 (MANE Select); 63 bases into the intron before coding-DNA position 207, T replaced by G.
Molecular consequence: intron variant.
Genome position (GRCh38, 1-based): chr12:55,703,241, A>C on the plus strand (T>G on the coding strand, the complement: ITGA7 is on the minus strand). VCF-style: chr12-55703241-A-C. GRCh37 (hg19) VCF-style: chr12-56097025-A-C.
Other names: c.86-1825T>G (NM_001144997.2); c.-133-63T>G (NM_001367993.1, NM_001414035.1); c.207-63T>G (NM_001414033.1, NM_001414032.1, NM_001414031.1 and 6 more transcripts); c.-966-63T>G (NM_001367994.1).
Identifiers: ClinVar variation 682004 (VCV000682004.2), dbSNP rs2293414, ClinGen allele CA15724178.
Genomic context (GRCh38, chr12:55,703,241, plus strand): 5'-GCAAGATGGGGCAGGGGCAGGGACAGGGACAGGAGTTAGAGGTCAGAATGACCCAATCTC[A>C]TTAGAGCTGCCCAGGCCCAACCCCTCAGTACTAAAGAGAGTGTTCAAGGACTAAAGAGAA-3'